The following is an entry in ClinVar:

ClinVar aggregate classification (germline): Uncertain significance. Review status: criteria provided, multiple submitters, no conflicts (2 of 4 stars). 2 submissions from 2 submitters: Uncertain significance (2). Last evaluated 2024-07-26.

Conditions:
Hereditary cancer-predisposing syndrome. Also called: Tumor predisposition; Hereditary Cancer Syndrome; Neoplastic Syndromes, Hereditary; Hereditary neoplastic syndrome. Identifiers: Orphanet 140162, MedGen C0027672, MeSH D009386, MONDO:0015356.
Multiple endocrine neoplasia type 4. Also called: MULTIPLE ENDOCRINE NEOPLASIA, TYPE IV. Identifiers: Orphanet 276152, MedGen C1970712, MONDO:0012552, OMIM 610755.

Allele frequency attached by ClinVar (database versions not stated): gnomAD exomes below 0.00001; ExAC 0.00001.
gnomAD v4.1: 2 of 1,614,106 alleles (0.00012%); highest among the groups gnomAD compares: Admixed American, 0.0017%; no homozygotes.

Submissions (2):

Labcorp Genetics (formerly Invitae), Labcorp
Classification: Uncertain significance for Multiple endocrine neoplasia type 4. Last evaluated: 2024-07-26. Review status: criteria provided, single submitter. Criteria: Invitae Variant Classification Sherloc (09022015). Collection method: clinical testing. Allele origin: germline.
Comment: This sequence change replaces valine, which is neutral and non-polar, with alanine, which is neutral and non-polar, at codon 184 of the CDKN1B protein (p.Val184Ala). This variant is present in population databases (rs768507663, gnomAD 0.004%). This variant has not been reported in the literature in individuals affected with CDKN1B-related conditions. ClinVar contains an entry for this variant (Variation ID: 1017367). An algorithm developed to predict the effect of missense changes on protein structure and function outputs the following: PolyPhen-2: "Benign". The alanine amino acid residue is found in multiple mammalian species, which suggests that this missense change does not adversely affect protein function. In summary, the available evidence is currently insufficient to determine the role of this variant in disease. Therefore, it has been classified as a Variant of Uncertain Significance.

Ambry Genetics
Classification: Uncertain significance for Hereditary cancer-predisposing syndrome. Last evaluated: 2024-06-21. Review status: criteria provided, single submitter. Criteria: Ambry Variant Classification Scheme 2023. Collection method: clinical testing. Allele origin: germline.
Comment: The p.V184A variant (also known as c.551T>C), located in coding exon 2 of the CDKN1B gene, results from a T to C substitution at nucleotide position 551. The valine at codon 184 is replaced by alanine, an amino acid with similar properties. This amino acid position is conserved. In addition, this alteration is predicted to be tolerated by in silico analysis. Based on the available evidence, the clinical significance of this variant remains unclear.

NM_004064.5(CDKN1B):c.551T>C (p.Val184Ala)

Gene: CDKN1B (cyclin dependent kinase inhibitor 1B; plus strand). Cytogenetic location: 12p13.1.
Variant type: single nucleotide variant.
Coding change: c.551T>C on transcript NM_004064.5 (MANE Select); coding-DNA position 551, T replaced by C.
Protein change: p.Val184Ala; replaces valine 184 with alanine.
Molecular consequence: missense variant.
Genome position (GRCh38, 1-based): chr12:12,718,900, T>C. VCF-style: chr12-12718900-T-C. GRCh37 (hg19) VCF-style: chr12-12871834-T-C.
Other names: c.551T>C (NM_004064.3); short protein forms V184A.
Identifiers: ClinVar variation 1017367 (VCV001017367.8), dbSNP rs768507663, ClinGen allele CA6457569.